The following is an entry in ClinVar:

NM_000435.3(NOTCH3):c.4443C>G (p.Asp1481Glu)

Gene: NOTCH3 (notch receptor 3; minus strand). Cytogenetic location: 19p13.12.
Variant type: single nucleotide variant.
Coding change: c.4443C>G on transcript NM_000435.3 (MANE Select); coding-DNA position 4443, C replaced by G.
Protein change: p.Asp1481Glu; replaces aspartic acid 1481 with glutamic acid.
Molecular consequence: missense variant.
Genome position (GRCh38, 1-based): chr19:15,174,361, G>C on the plus strand (C>G on the coding strand, the complement: NOTCH3 is on the minus strand). VCF-style: chr19-15174361-G-C. GRCh37 (hg19) VCF-style: chr19-15285172-G-C.
Other names: short protein forms D1481E.
Identifiers: ClinVar variation 5017668 (VCV005017668.1).

ClinVar aggregate classification (germline): Uncertain significance (1 of 4 stars; one submission).

Submission:

GeneDx
Classification: Uncertain significance. Last evaluated: 2026-03-31. Review status: criteria provided, single submitter. Criteria: GeneDx Variant Classification Process June 2021. Collection method: clinical testing. Allele origin: germline.
Comment: Not observed at significant frequency in large population cohorts (gnomAD); In silico analysis supports that this missense variant has a deleterious effect on protein structure/function; Has not been previously published as pathogenic or benign to our knowledge